The following is an entry in ClinVar:

NM_182914.3(SYNE2):c.5915C>T (p.Pro1972Leu)

Gene: SYNE2 (spectrin repeat containing nuclear envelope protein 2; plus strand). Cytogenetic location: 14q23.2.
Variant type: single nucleotide variant.
Coding change: c.5915C>T on transcript NM_182914.3 (MANE Select); coding-DNA position 5915, C replaced by T.
Protein change: p.Pro1972Leu; replaces proline 1972 with leucine.
Molecular consequence: missense variant.
Genome position (GRCh38, 1-based): chr14:64,024,986, C>T. VCF-style: chr14-64024986-C-T. GRCh37 (hg19) VCF-style: chr14-64491704-C-T.
Other names: c.5915C>T, p.Pro1972Leu (NM_015180.6); short protein forms P1972L.
Identifiers: ClinVar variation 538333 (VCV000538333.14), dbSNP rs113146258, ClinGen allele CA7220590.

ClinVar aggregate classification (germline): Conflicting classifications of pathogenicity. Review status: criteria provided, conflicting classifications (1 of 4 stars). 3 submissions from 3 submitters: Uncertain significance (2); Likely benign (1). Last evaluated 2025-11-21.

Conditions:
Emery-Dreifuss muscular dystrophy 5, autosomal dominant (EDMD5). Also called: EMERY-DREIFUSS MUSCULAR DYSTROPHY 5. Identifiers: Orphanet 261, MedGen C2751805, MONDO:0013072, OMIM 612999.

Allele frequency attached by ClinVar (database versions not stated): gnomAD exomes 0.00004 and 0.00006; ExAC 0.00008; gnomAD 0.00021 and 0.00022; TOPMed 0.00024; ESP Exome Variant Server 0.00025; 1000 Genomes Project 0.00040; 1000 Genomes Project 30x 0.00047.
gnomAD v4.1: 139 of 1,613,904 alleles (0.0086%); highest among the groups gnomAD compares: African/African-American, 0.1%; 6 homozygotes.

Submissions (3):

Labcorp Genetics (formerly Invitae), Labcorp
Classification: Uncertain significance for Emery-Dreifuss muscular dystrophy 5, autosomal dominant. Last evaluated: 2025-11-21. Review status: criteria provided, single submitter. Criteria: Invitae Variant Classification Sherloc (09022015). Collection method: clinical testing. Allele origin: germline.
Comment: This sequence change replaces proline, which is neutral and non-polar, with leucine, which is neutral and non-polar, at codon 1972 of the SYNE2 protein (p.Pro1972Leu). This variant is present in population databases (rs113146258, gnomAD 0.06%), and has an allele count higher than expected for a pathogenic variant. This variant has not been reported in the literature in individuals affected with SYNE2-related conditions. ClinVar contains an entry for this variant (Variation ID: 538333). An algorithm developed to predict the effect of missense changes on protein structure and function (PolyPhen-2) suggests that this variant is likely to be tolerated. In summary, the available evidence is currently insufficient to determine the role of this variant in disease. Therefore, it has been classified as a Variant of Uncertain Significance.

Women's Health and Genetics/Laboratory Corporation of America, LabCorp
Classification: Likely benign. Last evaluated: 2025-06-03. Review status: criteria provided, single submitter. Criteria: LabCorp Variant Classification Summary - May 2015. Collection method: clinical testing. Allele origin: germline.
Comment: Variant summary: SYNE2 c.5915C>T (p.Pro1972Leu) results in a non-conservative amino acid change in the encoded protein sequence. Algorithms developed to predict the effect of missense changes on protein structure and function are either unavailable or do not agree on the potential impact of this missense change. The variant allele was found at a frequency of 8.6e-05 in 1606934 control chromosomes, including 6 homozygotes in the gnomAD database (v4.1 dataset). The observed variant frequency within African or African-American control individuals (0.001) exceeds the estimated maximal expected allele frequency for a pathogenic variant in SYNE2 causing Emery-Dreifuss muscular dystrophy 5, autosomal dominant phenotype. To our knowledge, no occurrence of c.5915C>T in individuals affected with Emery-Dreifuss muscular dystrophy 5, autosomal dominant and no experimental evidence demonstrating its impact on protein function have been reported. ClinVar contains an entry for this variant (Variation ID: 538333). Based on the evidence outlined above, the variant was classified as likely benign.

Ambry Genetics
Classification: Uncertain significance. Last evaluated: 2024-05-30. Review status: criteria provided, single submitter. Criteria: Ambry Variant Classification Scheme 2023. Collection method: clinical testing. Allele origin: germline.